The following is an entry in ClinVar:

NM_001032283.3(TMPO):c.478_480del (p.Thr160del)

Gene: TMPO (thymopoietin; plus strand). Cytogenetic location: 12q23.1.
Variant type: Deletion.
Coding change: c.478_480del on transcript NM_001032283.3 (MANE Select); coding-DNA positions 478 to 480, 3 bases deleted (ACT; older notation c.478_480delACT).
Protein change: p.Thr160del; deletes threonine 160.
Molecular consequence: inframe deletion.
Genome position (GRCh38, 1-based): chr12:98,531,751-98,531,753, ACT deleted; deleting any 3 consecutive bases within chr12:98,531,749-98,531,753 gives the same sequence; the c. name uses the placement nearest the transcript's 3' end. VCF-style (leftmost placement, unchanged base first): chr12-98531748-TCTA-T. GRCh37 (hg19) VCF-style: chr12-98925526-TCTA-T.
Other names: c.478_480del, p.Thr160del (NM_001032284.3, NM_001307975.2, NM_003276.2); short protein forms T160del.
Identifiers: ClinVar variation 2031834 (VCV002031834.4), dbSNP rs2548501750, ClinGen allele CA2580086774.

ClinVar aggregate classification (germline): Uncertain significance (1 of 4 stars; one submission).

Conditions:
Loeys-Dietz syndrome 2 (LDS2). Also called: TGFBR2-Related Loeys-Dietz Syndrome; Marfan syndrome, type 2 (formerly); AORTIC ANEURYSM, FAMILIAL THORACIC 3; MARFAN SYNDROME, TYPE II; Marfan Syndrome type 2; Marfan like connective tissue disorder. Identifiers: Orphanet 284973, Orphanet 558, MedGen C2674574, MONDO:0012427, OMIM 610168.

Submission:

Labcorp Genetics (formerly Invitae), Labcorp
Classification: Uncertain significance for Loeys-Dietz syndrome 2. Last evaluated: 2022-09-22. Review status: criteria provided, single submitter. Criteria: Invitae Variant Classification Sherloc (09022015). Collection method: clinical testing. Allele origin: germline.
Comment: This variant, c.478_480del, results in the deletion of 1 amino acid(s) of the TMPO protein (p.Thr160del), but otherwise preserves the integrity of the reading frame. This variant is not present in population databases (gnomAD no frequency). This variant has not been reported in the literature in individuals affected with TMPO-related conditions. Experimental studies and prediction algorithms are not available or were not evaluated, and the functional significance of this variant is currently unknown. In summary, the available evidence is currently insufficient to determine the role of this variant in disease. Therefore, it has been classified as a Variant of Uncertain Significance.